The following is an entry in ClinVar:

ClinVar aggregate classification (germline): Uncertain significance (1 of 4 stars; one submission).

Conditions:
Cardiovascular phenotype. Identifiers: MedGen CN230736.
Hereditary cancer-predisposing syndrome. Also called: Neoplastic Syndromes, Hereditary; Tumor predisposition; Hereditary Cancer Syndrome; Hereditary neoplastic syndrome. Identifiers: Orphanet 140162, MedGen C0027672, MeSH D009386, MONDO:0015356.

Submission:

Ambry Genetics
Classification: Uncertain significance for Cardiovascular phenotype; Hereditary cancer-predisposing syndrome. Last evaluated: 2025-11-01. Review status: criteria provided, single submitter. Criteria: Ambry Variant Classification Scheme 2023. Collection method: clinical testing. Allele origin: germline.
Comment: The p.V407G variant (also known as c.1220T>G), located in coding exon 11 of the LZTR1 gene, results from a T to G substitution at nucleotide position 1220. The valine at codon 407 is replaced by glycine, an amino acid with dissimilar properties. This amino acid position is conserved. In addition, the in silico prediction for this alteration is inconclusive. Based on the available evidence, the clinical significance of this variant remains unclear.

NM_006767.4(LZTR1):c.1220T>G (p.Val407Gly)

Gene: LZTR1 (leucine zipper like post translational regulator 1; plus strand). Cytogenetic location: 22q11.21.
Variant type: single nucleotide variant.
Coding change: c.1220T>G on transcript NM_006767.4 (MANE Select); coding-DNA position 1220, T replaced by G.
Protein change: p.Val407Gly; replaces valine 407 with glycine.
Molecular consequence: missense variant.
Genome position (GRCh38, 1-based): chr22:20,992,864, T>G. VCF-style: chr22-20992864-T-G. GRCh37 (hg19) VCF-style: chr22-21347153-T-G.
Other names: short protein forms V407G.
Identifiers: ClinVar variation 4615647 (VCV004615647.1).